The following is an entry in ClinVar:

NM_000051.4(ATM):c.8501T>G (p.Phe2834Cys)

Genes: ATM (ATM serine/threonine kinase; plus strand), C11orf65 (chromosome 11 open reading frame 65; minus strand). Cytogenetic location: 11q22.3.
Variant type: single nucleotide variant.
Coding change: c.8501T>G on transcript NM_000051.4 (MANE Select); coding-DNA position 8501, T replaced by G.
Protein change: p.Phe2834Cys; replaces phenylalanine 2834 with cysteine.
Molecular consequence: missense variant. On other transcripts: intron variant (2).
Genome position (GRCh38, 1-based): chr11:108,345,825, T>G. VCF-style: chr11-108345825-T-G. GRCh37 (hg19) VCF-style: chr11-108216552-T-G.
Other names: c.8501T>G, p.Phe2834Cys (NM_001351834.2); c.641-36754A>C (NM_001330368.2); c.695-10533A>C (NM_001351110.2); short protein forms F2834C.
Identifiers: ClinVar variation 822521 (VCV000822521.6), dbSNP rs1591264788, ClinGen allele CA382518158.

ClinVar aggregate classification (germline): Uncertain significance (1 of 4 stars; one submission).

Conditions:
Hereditary cancer-predisposing syndrome. Also called: Tumor predisposition; Neoplastic Syndromes, Hereditary; Hereditary Cancer Syndrome; Hereditary neoplastic syndrome. Identifiers: Orphanet 140162, MedGen C0027672, MeSH D009386, MONDO:0015356.

Submission:

Ambry Genetics
Classification: Uncertain significance for Hereditary cancer-predisposing syndrome. Last evaluated: 2019-03-29. Review status: criteria provided, single submitter. Criteria: Ambry Variant Classification Scheme 2023. Collection method: clinical testing. Allele origin: germline.
Comment: The p.F2834C variant (also known as c.8501T>G), located in coding exon 57 of the ATM gene, results from a T to G substitution at nucleotide position 8501. The phenylalanine at codon 2834 is replaced by cysteine, an amino acid with highly dissimilar properties. This amino acid position is highly conserved in available vertebrate species. In addition, this alteration is predicted to be deleterious by in silico analysis. Since supporting evidence is limited at this time, the clinical significance of this alteration remains unclear.